The following is an entry in ClinVar:

ClinVar aggregate classification (germline): Uncertain significance (1 of 4 stars; one submission).

Allele frequency attached by ClinVar (database versions not stated): gnomAD 0.00001; TOPMed 0.00004; gnomAD exomes below 0.00001; ExAC 0.00001.
gnomAD v4.1: 7 of 1,598,950 alleles (0.00044%); highest among the groups gnomAD compares: African/African-American, 0.0094%; no homozygotes.

Submission:

Labcorp Genetics (formerly Invitae), Labcorp
Classification: Uncertain significance. Last evaluated: 2025-05-18. Review status: criteria provided, single submitter. Criteria: Invitae Variant Classification Sherloc (09022015). Collection method: clinical testing. Allele origin: germline.
Comment: This sequence change replaces glycine, which is neutral and non-polar, with serine, which is neutral and polar, at codon 596 of the BCL11B protein (p.Gly596Ser). This variant is present in population databases (rs756720526, gnomAD 0.03%). This variant has not been reported in the literature in individuals affected with BCL11B-related conditions. ClinVar contains an entry for this variant (Variation ID: 1960404). Invitae Evidence Modeling of protein sequence and biophysical properties (such as structural, functional, and spatial information, amino acid conservation, physicochemical variation, residue mobility, and thermodynamic stability) indicates that this missense variant is not expected to disrupt BCL11B protein function with a negative predictive value of 95%. In summary, the available evidence is currently insufficient to determine the role of this variant in disease. Therefore, it has been classified as a Variant of Uncertain Significance.

NM_138576.4(BCL11B):c.1786G>A (p.Gly596Ser)

Gene: BCL11B (BCL11 transcription factor B; minus strand). Cytogenetic location: 14q32.2.
Variant type: single nucleotide variant.
Coding change: c.1786G>A on transcript NM_138576.4 (MANE Select); coding-DNA position 1786, G replaced by A.
Protein change: p.Gly596Ser; replaces glycine 596 with serine.
Molecular consequence: missense variant.
Genome position (GRCh38, 1-based): chr14:99,175,050, C>T on the plus strand (G>A on the coding strand, the complement: BCL11B is on the minus strand). VCF-style: chr14-99175050-C-T. GRCh37 (hg19) VCF-style: chr14-99641387-C-T.
Other names: c.1783G>A, p.Gly595Ser (NM_001282237.2); c.1570G>A, p.Gly524Ser (NM_001282238.2); c.1573G>A, p.Gly525Ser (NM_022898.3); short protein forms G596S, G524S, G595S, G525S.
Identifiers: ClinVar variation 1960404 (VCV001960404.5), dbSNP rs756720526, ClinGen allele CA7339602.